The following is an entry in ClinVar:

ClinVar aggregate classification (germline): Pathogenic (1 of 4 stars; one submission).

Conditions:
Severe myoclonic epilepsy in infancy (DRVT). Also called: Epileptic encephalopathy, early infantile, 6 (Dravet syndrome); SEVERE MYOCLONIC EPILEPSY OF INFANCY; DEVELOPMENTAL AND EPILEPTIC ENCEPHALOPATHY 6A; Severe Myoclonic Epilepsy in Infancy (SMEI); Dravet syndrome. Identifiers: Orphanet 33069, MedGen C0751122, MONDO:0100135, OMIM 607208.

Submission:

Center for Bioinformatics, Peking University
Classification: Pathogenic for Dravet syndrome. Last evaluated: 2014-12-20. Review status: criteria provided, single submitter. Criteria: Xu et al. (Hum Mutat. 2015). Collection method: research. Allele origin: de novo. Affected: yes. Observed: 1 variant allele. Study: University Clinical Cooperation “985 Project” PKU-2014-1-1.
Comment: Dravet syndrome (DS) probands were recruited from the outpatient and inpatient child neurology units of Peking University First Hospital from 2005 till present. The study was approved by the Ethics Committee of Peking University First Hospital and the Institutional Review Board at Peking University. Participants or their parents provided written informed consent before enrollment. We collected a total of 267 mutations from 255 families with probands diagnosed with DS in China. All probands fulfilled the clinical diagnostic criteria.

NM_001165963.4(SCN1A):c.930_931dup (p.Glu311fs)

Gene: SCN1A (sodium voltage-gated channel alpha subunit 1; minus strand). Cytogenetic location: 2q24.3.
Variant type: Duplication.
Coding change: c.930_931dup on transcript NM_001165963.4 (MANE Select); coding-DNA positions 930 to 931, 2 bases duplicated (TG; older notation c.930_931dupTG).
Protein change: p.Glu311fs; shifts the reading frame from glutamic acid 311.
Molecular consequence: frameshift variant. On other transcripts: 5 prime UTR variant (1), non-coding transcript variant (1).
Genome position (GRCh38, 1-based): chr2:166,051,752-166,051,753, CA duplicated on the plus strand (TG on the coding strand, the reverse complement: SCN1A is on the minus strand). VCF-style (leftmost placement, unchanged base first): chr2-166051751-T-TCA. GRCh37 (hg19) VCF-style: chr2-166908261-T-TCA.
Other names: c.930_931dup, p.Glu311fs (NM_001165964.3, NM_001202435.3, NM_001353948.2 and 10 more transcripts); c.-1496_-1495dup (NM_001353961.2); short protein forms E311fs.
Identifiers: ClinVar variation 190020 (VCV000190020.1), dbSNP rs794726846, ClinGen allele CA303575.